The following is an entry in ClinVar:

NM_000051.4(ATM):c.5320-5T>C

Gene: ATM (ATM serine/threonine kinase; plus strand). Cytogenetic location: 11q22.3.
Variant type: single nucleotide variant.
Coding change: c.5320-5T>C on transcript NM_000051.4 (MANE Select); 5 bases into the intron before coding-DNA position 5320, T replaced by C.
Molecular consequence: intron variant.
Genome position (GRCh38, 1-based): chr11:108,302,848, T>C. VCF-style: chr11-108302848-T-C. GRCh37 (hg19) VCF-style: chr11-108173575-T-C.
Other names: c.5320-5T>C (NM_001351834.2).
Identifiers: ClinVar variation 485188 (VCV000485188.19), dbSNP rs1555106308, ClinGen allele CA658656252.

ClinVar aggregate classification (germline): Likely benign. Review status: criteria provided, multiple submitters, no conflicts (2 of 4 stars). 4 submissions from 4 submitters: Likely benign (4). Last evaluated 2025-10-07.

Conditions:
Hereditary cancer-predisposing syndrome. Also called: Hereditary neoplastic syndrome; Neoplastic Syndromes, Hereditary; Tumor predisposition; Hereditary Cancer Syndrome. Identifiers: Orphanet 140162, MedGen C0027672, MeSH D009386, MONDO:0015356.
Familial cancer of breast. Also called: BREAST CANCER, FAMILIAL; Hereditary breast cancer; hereditary breast carcinoma. Identifiers: Orphanet 227535, MedGen C0346153, MONDO:0016419, OMIM 114480. Disease mechanism: loss of function.
Ataxia-telangiectasia syndrome (AT). Also called: LOUIS-BAR SYNDROME; Cerebello-oculocutaneous telangiectasia; Immunodeficiency with ataxia telangiectasia; AT, COMPLEMENTATION GROUP C; Ataxia-telangiectasia, complementation group D; ATAXIA-TELANGIECTASIA, COMPLEMENTATION GROUP A. Identifiers: Orphanet 100, MedGen C0004135, MONDO:0008840, OMIM 208900.

Allele frequency attached by ClinVar (database versions not stated): gnomAD exomes below 0.00001.
gnomAD v4.1: 3 of 1,607,838 alleles (0.00019%); highest among the groups gnomAD compares: Non-Finnish European, 0.00026%; no homozygotes.

Submissions (4):

Labcorp Genetics (formerly Invitae), Labcorp
Classification: Likely benign for Ataxia-telangiectasia syndrome. Last evaluated: 2025-10-07. Review status: criteria provided, single submitter. Criteria: Invitae Variant Classification Sherloc (09022015). Collection method: clinical testing. Allele origin: germline.

Color Diagnostics, LLC DBA Color Health
Classification: Likely benign for Hereditary cancer-predisposing syndrome. Last evaluated: 2025-08-08. Review status: criteria provided, single submitter. Criteria: ACMG Guidelines, 2015. Collection method: clinical testing. Allele origin: germline.

Myriad Genetics, Inc.
Classification: Likely benign for Familial cancer of breast. Last evaluated: 2024-05-23. Review status: criteria provided, single submitter. Criteria: Myriad Autosomal Dominant, Autosomal Recessive and X-Linked Classification Criteria (2023). Collection method: clinical testing. Allele origin: unknown.
Comment: This variant is considered likely benign. This variant is intronic and is not expected to impact mRNA splicing.

Ambry Genetics
Classification: Likely benign for Hereditary cancer-predisposing syndrome. Last evaluated: 2022-06-23. Review status: criteria provided, single submitter. Criteria: Ambry Variant Classification Scheme 2023. Collection method: clinical testing. Allele origin: germline.